The following is an entry in ClinVar:

NM_001365536.1(SCN9A):c.4709G>A (p.Arg1570Lys)

Genes: SCN1A-AS1 (SCN1A and SCN9A antisense RNA 1; plus strand), SCN9A (sodium voltage-gated channel alpha subunit 9; minus strand). Cytogenetic location: 2q24.3.
Variant type: single nucleotide variant.
Coding change: c.4709G>A on transcript NM_001365536.1 (MANE Select); coding-DNA position 4709, G replaced by A.
Protein change: p.Arg1570Lys; replaces arginine 1570 with lysine.
Molecular consequence: missense variant.
Genome position (GRCh38, 1-based): chr2:166,204,020, C>T on the plus strand (G>A on the coding strand, the complement: SCN9A is on the minus strand). VCF-style: chr2-166204020-C-T. GRCh37 (hg19) VCF-style: chr2-167060530-C-T.
Other names: c.4676G>A, p.Arg1559Lys (NM_002977.4); short protein forms R1559K, R1570K.
Identifiers: ClinVar variation 4783380 (VCV004783380.1).
Genomic context (GRCh38, chr2:166,204,020, plus strand): 5'-ATGGAGATAATCACAACCACAAAATCAAAAATATTCCATCCTACAGTGAAGTAGTAGTGT[C>T]TGAGGGAGATCAGTTTTAGCACACATTCTCCAGTGAAAAGGATTATAAAAACCACATTTA-3'
Protein context (NP_001352465.1, residues 1560-1580): GECVLKLISL[Arg1570Lys]HYYFTVGWNI

ClinVar aggregate classification (germline): Uncertain significance (1 of 4 stars; one submission).

Conditions:
Neuropathy, hereditary sensory and autonomic, type 2A (HSAN2A). Also called: ACROOSTEOLYSIS, GIACCAI TYPE; ACROOSTEOLYSIS, NEUROGENIC; WNK1-Related HSAN2 (HSAN2A); NEUROPATHY, HEREDITARY SENSORY RADICULAR, AUTOSOMAL RECESSIVE; MORVAN DISEASE; NEUROPATHY, CONGENITAL SENSORY. Identifiers: Orphanet 970, MedGen C2752089, MONDO:0024309, OMIM 201300.
Generalized epilepsy with febrile seizures plus, type 7 (GEFSP7). Also called: GEFS+, TYPE 7. Identifiers: Orphanet 36387, MedGen C2751778, MONDO:0013470, OMIM 613863.

Submission:

Labcorp Genetics (formerly Invitae), Labcorp
Classification: Uncertain significance for Neuropathy, hereditary sensory and autonomic, type 2A; Generalized epilepsy with febrile seizures plus, type 7. Last evaluated: 2025-12-15. Review status: criteria provided, single submitter. Criteria: Invitae Variant Classification Sherloc (09022015). Collection method: clinical testing. Allele origin: germline.
Comment: This sequence change replaces arginine, which is basic and polar, with lysine, which is basic and polar, at codon 1559 of the SCN9A protein (p.Arg1559Lys). This variant is not present in population databases (gnomAD no frequency). This variant has not been reported in the literature in individuals affected with SCN9A-related conditions. Invitae Evidence Modeling of protein sequence and biophysical properties (such as structural, functional, and spatial information, amino acid conservation, physicochemical variation, residue mobility, and thermodynamic stability) has been performed for this missense variant. However, the output from this modeling did not meet the statistical confidence thresholds required to predict the impact of this variant on SCN9A protein function. In summary, the available evidence is currently insufficient to determine the role of this variant in disease. Therefore, it has been classified as a Variant of Uncertain Significance.